The following is an entry in ClinVar:

ClinVar aggregate classification (germline): Uncertain significance (1 of 4 stars; one submission).

Conditions:
Lymphoproliferative syndrome 2 (LPFS2). Also called: CD27 DEFICIENCY; Combined immunodeficiency due to CD27 deficiency. Identifiers: Orphanet 238505, MedGen C3554540, MONDO:0014054, OMIM 615122.

Submission:

Labcorp Genetics (formerly Invitae), Labcorp
Classification: Uncertain significance for Lymphoproliferative syndrome 2. Last evaluated: 2022-09-06. Review status: criteria provided, single submitter. Criteria: Invitae Variant Classification Sherloc (09022015). Collection method: clinical testing. Allele origin: germline.
Comment: Algorithms developed to predict the effect of missense changes on protein structure and function (SIFT, PolyPhen-2, Align-GVGD) all suggest that this variant is likely to be disruptive. This sequence change replaces histidine, which is basic and polar, with tyrosine, which is neutral and polar, at codon 76 of the CD27 protein (p.His76Tyr). This variant is not present in population databases (gnomAD no frequency). This variant has not been reported in the literature in individuals affected with CD27-related conditions. In summary, the available evidence is currently insufficient to determine the role of this variant in disease. Therefore, it has been classified as a Variant of Uncertain Significance.

NM_001242.5(CD27):c.226C>T (p.His76Tyr)

Genes: CD27 (CD27 molecule; plus strand), CD27-AS1 (CD27 antisense RNA 1; minus strand). Cytogenetic location: 12p13.31.
Variant type: single nucleotide variant.
Coding change: c.226C>T on transcript NM_001242.5 (MANE Select); coding-DNA position 226, C replaced by T.
Protein change: p.His76Tyr; replaces histidine 76 with tyrosine.
Molecular consequence: missense variant.
Genome position (GRCh38, 1-based): chr12:6,445,513, C>T. VCF-style: chr12-6445513-C-T. GRCh37 (hg19) VCF-style: chr12-6554679-C-T.
Other names: c.226C>T, p.His76Tyr (NM_001413263.1, NM_001413264.1, NM_001413265.1); c.-225C>T (NM_001413266.1, NM_001413268.1); c.-313C>T (NM_001413267.1); short protein forms H76Y.
Identifiers: ClinVar variation 2118073 (VCV002118073.4), dbSNP rs2498108284, ClinGen allele CA383547143.